The following is an entry in ClinVar:

ClinVar aggregate classification (germline): Likely benign (1 of 4 stars; one submission).

Submission:

GeneDx
Classification: Likely benign. Last evaluated: 2016-01-29. Review status: criteria provided, single submitter. Criteria: GeneDx Variant Classification (06012015). Collection method: clinical testing. Allele origin: germline. Affected: yes.
Comment: This variant is considered likely benign or benign based on one or more of the following criteria: it is a conservative change, it occurs at a poorly conserved position in the protein, it is predicted to be benign by multiple in silico algorithms, and/or has population frequency not consistent with disease.

NM_020408.6(LYRM4):c.87-18del

Genes: LYRM4 (LYR motif containing 4; minus strand), LYRM4-AS1 (LYRM4 antisense RNA 1; plus strand). Cytogenetic location: 6p25.1.
Variant type: Deletion.
Coding change: c.87-18del on transcript NM_020408.6 (MANE Select); 18 bases into the intron before coding-DNA position 87, one base deleted (T; older notation c.87-18delT).
Molecular consequence: intron variant.
Genome position (GRCh38, 1-based): chr6:5,216,756, A deleted on the plus strand (T on the coding strand, the reverse complement: LYRM4 is on the minus strand); the first of 8 consecutive A bases (chr6:5,216,756-5,216,763); deleting any one gives the same sequence. VCF-style (leftmost placement, unchanged base first): chr6-5216755-GA-G. GRCh37 (hg19) VCF-style: chr6-5216988-GA-G.
Other names: c.87-18del (NM_001318783.1, NM_001164841.3, NM_001318782.1 and 1 more transcripts); c.87-18delT (NM_020408.5).
Identifiers: ClinVar variation 420286 (VCV000420286.1), dbSNP rs772243158, ClinGen allele CA16618297.